The following is an entry in ClinVar:

ClinVar aggregate classification (germline): Uncertain significance. Review status: criteria provided, multiple submitters, no conflicts (2 of 4 stars). 2 submissions from 2 submitters: Uncertain significance (2). Last evaluated 2023-06-09.

Conditions:
Intellectual disability. Also called: Intellectual functioning disability; intellectual disabilities; Intellectual developmental disorder. Identifiers: MedGen C3714756, MeSH D008607, MONDO:0001071, HP:0001249.
Early-infantile DEE. Also called: Early infantile epileptic encephalopathy; Ohtahara syndrome; Early infantile epileptic encephalopathy with suppression bursts. Identifiers: Orphanet 1934, MedGen C0393706, MONDO:0800491.

Submissions (2):

Labcorp Genetics (formerly Invitae), Labcorp
Classification: Uncertain significance for Early-infantile DEE. Last evaluated: 2023-06-09. Review status: criteria provided, single submitter. Criteria: Invitae Variant Classification Sherloc (09022015). Collection method: clinical testing. Allele origin: germline.
Comment: This variant, c.223_224insTCG, results in the insertion of 1 amino acid(s) of the HCN1 protein (p.Gly74_Glu75insVal), but otherwise preserves the integrity of the reading frame. This variant is not present in population databases (gnomAD no frequency). This variant has not been reported in the literature in individuals affected with HCN1-related conditions. ClinVar contains an entry for this variant (Variation ID: 1917205). In summary, the available evidence is currently insufficient to determine the role of this variant in disease. Therefore, it has been classified as a Variant of Uncertain Significance.

Cambridge Genomics Laboratory, East Genomic Laboratory Hub, NHS Genomic Medicine Service
Classification: Uncertain significance for Intellectual disability. Last evaluated: 2020-04-29. Review status: criteria provided, single submitter. Criteria: ACGS Best Practice Guidelines for Variant Classification in Rare Disease 2020. Collection method: clinical testing. Allele origin: germline. Affected: yes. Observed: 1 variant allele.

NM_021072.4(HCN1):c.223_224insTCG (p.Gly74_Glu75insVal)

Gene: HCN1 (hyperpolarization activated cyclic nucleotide gated potassium channel 1; minus strand). Cytogenetic location: 5p12.
Variant type: Insertion.
Coding change: c.223_224insTCG on transcript NM_021072.4 (MANE Select); coding-DNA positions 223 to 224, TCG inserted.
Protein change: p.Gly74_Glu75insVal.
Molecular consequence: inframe insertion.
Genome position: GRCh38 VCF-style: chr5-45695870-T-TCGA. GRCh37 (hg19) VCF-style: chr5-45695972-T-TCGA.
Identifiers: ClinVar variation 1917205 (VCV001917205.6), dbSNP rs2478644186, ClinGen allele CA2580073311.
Genomic context (GRCh38, chr5:45,695,870, plus strand): 5'-TGCATGAAGCCGTACTGCCGCCGGGGCCCCTCGGCGTCTTCGAAGCCCCCCGCCGGCTCC[T>TCGA]CGCCGCCGCCGCCGCCGCCGCCACCGCCGCCACCGCCGTCCACCTTGAAGCACACGGAGT-3'